The following is an entry in ClinVar:

NM_052989.3(IFT122):c.2294A>C (p.Lys765Thr)

Gene: IFT122 (intraflagellar transport 122; plus strand). Cytogenetic location: 3q21.3.
Variant type: single nucleotide variant.
Coding change: c.2294A>C on transcript NM_052989.3 (MANE Select); coding-DNA position 2294, A replaced by C.
Protein change: p.Lys765Thr; replaces lysine 765 with threonine.
Molecular consequence: missense variant.
Genome position (GRCh38, 1-based): chr3:129,499,987, A>C. VCF-style: chr3-129499987-A-C. GRCh37 (hg19) VCF-style: chr3-129218830-A-C.
Other names: c.2270A>C, p.Lys757Thr (NM_001280541.2); c.1844A>C, p.Lys615Thr (NM_001280545.2); c.1667A>C, p.Lys556Thr (NM_001280546.2); c.2117A>C, p.Lys706Thr (NM_018262.4); c.2447A>C, p.Lys816Thr (NM_052985.4); c.1961A>C, p.Lys654Thr (NM_052990.3); short protein forms K816T, K654T, K706T, K615T, K765T, K556T, K757T.
Identifiers: ClinVar variation 252770 (VCV000252770.19), dbSNP rs146026277, ClinGen allele CA2606463.
Genomic context (GRCh38, chr3:129,499,987, plus strand): 5'-AAGAAACAAAGATGCTAATCACCAAACAGGCTGACTGGGCCAGAAATATCAAGGAGCCCA[A>C]AGCCGCCGTGGAGATGTACATCTCAGCAGGAGAGCACGTCAAGGCCATCGAGATCTGTGG-3'
Protein context (NP_443715.1, residues 755-775): ADWARNIKEP[Lys765Thr]AAVEMYISAG

ClinVar aggregate classification (germline): Benign/Likely benign. Review status: criteria provided, multiple submitters, no conflicts (2 of 4 stars). 5 submissions from 5 submitters: Benign (1); Likely benign (3). 1 of the submissions does not count toward it. Last evaluated 2025-12-17.

Conditions:
IFT122-related disorder. Also called: IFT122-related condition.
Cranioectodermal dysplasia 1 (CED1). Also called: LEVIN SYNDROME I. Identifiers: Orphanet 1515, MedGen C0432235, MONDO:0021093, OMIM 218330.

Allele frequency attached by ClinVar (database versions not stated): gnomAD exomes 0.00060; ExAC 0.00063; 1000 Genomes Project 0.00100; 1000 Genomes Project 30x 0.00141; gnomAD 0.00197 and 0.00212; TOPMed 0.00230; ESP Exome Variant Server 0.00238.
gnomAD v4.1: 584 of 1,614,206 alleles (0.036%); highest among the groups gnomAD compares: African/African-American, 0.7%; no homozygotes.

Submissions (5):

Labcorp Genetics (formerly Invitae), Labcorp
Classification: Benign for Cranioectodermal dysplasia 1. Last evaluated: 2025-12-17. Review status: criteria provided, single submitter. Criteria: Invitae Variant Classification Sherloc (09022015). Collection method: clinical testing. Allele origin: germline.

Blueprint Genetics
Classification: Likely benign. Last evaluated: 2024-03-05. Review status: criteria provided, single submitter. Criteria: ACMG Guidelines, 2015. Collection method: clinical testing. Allele origin: germline.

Illumina Laboratory Services, Illumina
Classification: Likely benign for Cranioectodermal dysplasia 1. Last evaluated: 2018-01-12. Review status: criteria provided, single submitter. Criteria: ICSL Variant Classification Criteria 13 December 2019. Collection method: clinical testing. Allele origin: germline.
Comment: This variant was observed in the ICSL laboratory as part of a predisposition screen in an ostensibly healthy population. It had not been previously curated by ICSL or reported in the Human Gene Mutation Database (HGMD: prior to June 1st, 2018), and was therefore a candidate for classification through an automated scoring system. Utilizing variant allele frequency, disease prevalence and penetrance estimates, and inheritance mode, an automated score was calculated to assess if this variant is too frequent to cause the disease. Based on the score and internal cut-off values, a variant classified as likely benign is not then subjected to further curation. The score for this variant resulted in a classification of likely benign for this disease.

Genomic Diagnostic Laboratory, Division of Genomic Diagnostics, Children's Hospital of Philadelphia
Classification: Likely benign. Last evaluated: 2015-10-01. Review status: criteria provided, single submitter. Criteria: DGD Variant Analysis Guidelines. Collection method: clinical testing. Allele origin: unknown.

PreventionGenetics, part of Exact Sciences
Classification: Likely benign for IFT122-related condition. Last evaluated: 2019-08-28. Review status: no assertion criteria provided. Collection method: clinical testing. Allele origin: germline. Not counted in ClinVar's aggregate classification.
Comment: This variant is classified as likely benign based on ACMG/AMP sequence variant interpretation guidelines (Richards et al. 2015 PMID: 25741868, with internal and published modifications).